The following is an entry in ClinVar:

NM_000089.4(COL1A2):c.2387G>C (p.Gly796Ala)

Gene: COL1A2 (collagen type I alpha 2 chain; plus strand). Cytogenetic location: 7q21.3.
Variant type: single nucleotide variant.
Coding change: c.2387G>C on transcript NM_000089.4 (MANE Select); coding-DNA position 2387, G replaced by C.
Protein change: p.Gly796Ala; replaces glycine 796 with alanine.
Molecular consequence: missense variant.
Genome position (GRCh38, 1-based): chr7:94,421,936, G>C. VCF-style: chr7-94421936-G-C. GRCh37 (hg19) VCF-style: chr7-94051248-G-C.
Other names: short protein forms G796A.
Identifiers: ClinVar variation 449351 (VCV000449351.14), dbSNP rs72658189, ClinGen allele CA162937261.
Genomic context (GRCh38, chr7:94,421,936, plus strand): 5'-ATTCTAATGTGCTTGGCTCTTAGGGTATGACTGGTTTCCCTGGTGCTGCTGGACGGACTG[G>C]TCCCCCAGGACCCTCTGTAAGTAAATCACTGTAAACGTGTCTTCATTTACTCTAGCCAAA-3'
Protein context (NP_000080.2, residues 786-806): TGFPGAAGRT[Gly796Ala]PPGPSGISGP

ClinVar aggregate classification (germline): Pathogenic. Review status: criteria provided, multiple submitters, no conflicts (2 of 4 stars). 2 submissions from 2 submitters: Pathogenic (2). Last evaluated 2025-09-22.

Conditions:
Ehlers-Danlos syndrome, classic type, 1 (EDSCL1). Also called: EHLERS-DANLOS SYNDROME, GRAVIS TYPE; EHLERS-DANLOS SYNDROME, SEVERE CLASSIC TYPE; EDS I; Ehlers-Danlos Syndrome, Classic Type, COL5A1-Related; Ehlers-Danlos syndrome, type 1. Identifiers: MedGen C0268335, MONDO:0019567, OMIM 130000.
Osteogenesis imperfecta type I (OI1). Also called: OI, TYPE I; OSTEOGENESIS IMPERFECTA TARDA; OSTEOGENESIS IMPERFECTA WITH BLUE SCLERAE; Classic Non-deforming Osteogenesis Imperfecta with Blue Sclerae; Lobstein disease; Osteogenesis imperfecta type 1. Identifiers: Orphanet 216796, Orphanet 666, MedGen C0023931, MONDO:0008146, OMIM 166200. Disease mechanism: loss of function.

Submissions (2):

Labcorp Genetics (formerly Invitae), Labcorp
Classification: Pathogenic for Osteogenesis imperfecta type I; Ehlers-Danlos syndrome, classic type, 1. Last evaluated: 2025-09-22. Review status: criteria provided, single submitter. Criteria: Invitae Variant Classification Sherloc (09022015). Collection method: clinical testing. Allele origin: germline.
Comment: This sequence change replaces glycine, which is neutral and non-polar, with alanine, which is neutral and non-polar, at codon 796 of the COL1A2 protein (p.Gly796Ala). This variant is not present in population databases (gnomAD no frequency). This missense change has been observed in individuals with osteogenesis imperfecta (PMID: 17078022, 30715774). ClinVar contains an entry for this variant (Variation ID: 449351). Invitae Evidence Modeling of protein sequence and biophysical properties (such as structural, functional, and spatial information, amino acid conservation, physicochemical variation, residue mobility, and thermodynamic stability) indicates that this missense variant is expected to disrupt COL1A2 protein function with a positive predictive value of 95%. This variant disrupts the triple helix domain of COL1A2. Glycine residues within the Gly-Xaa-Yaa repeats of the triple helix domain are required for the structure and stability of fibrillar collagens (PMID: 7695699, 8218237, 19344236). In COL1A2, variants affecting these glycine residues are significantly enriched in individuals with disease (PMID: 9016532, 17078022) compared to the general population (ExAC). For these reasons, this variant has been classified as Pathogenic.

GeneDx
Classification: Pathogenic. Last evaluated: 2025-02-24. Review status: criteria provided, single submitter. Criteria: GeneDx Variant Classification Process June 2021. Collection method: clinical testing. Allele origin: germline. Affected: yes.
Comment: Identified in an individual with osteogenesis imperfecta type IV in published literature (PMID: 17078022); Not observed at significant frequency in large population cohorts (gnomAD); In silico analysis supports that this missense variant has a deleterious effect on protein structure/function; Occurs in the triple helical domain and replaces a glycine in a canonical Gly-X-Y repeat; missense substitution of a canonical glycine residue is expected to disrupt normal protein folding and function, and this is an established mechanism of disease (PMID: 34007986); This variant is associated with the following publications: (PMID: 37270749, 30715774, 34007986, 17078022)

Literature cited by the submitters: PubMed 17078022 (cited by Labcorp Genetics (formerly Invitae), Labcorp); PubMed 30715774 (cited by Labcorp Genetics (formerly Invitae), Labcorp); PubMed 7695699 (cited by Labcorp Genetics (formerly Invitae), Labcorp); PubMed 8218237 (cited by Labcorp Genetics (formerly Invitae), Labcorp); PubMed 19344236 (cited by Labcorp Genetics (formerly Invitae), Labcorp); PubMed 9016532 (cited by Labcorp Genetics (formerly Invitae), Labcorp).